The following is an entry in ClinVar:

NM_000090.4(COL3A1):c.2242G>A (p.Gly748Ser)

Gene: COL3A1 (collagen type III alpha 1 chain; plus strand). Cytogenetic location: 2q32.2.
Variant type: single nucleotide variant.
Coding change: c.2242G>A on transcript NM_000090.4 (MANE Select); coding-DNA position 2242, G replaced by A.
Protein change: p.Gly748Ser; replaces glycine 748 with serine.
Molecular consequence: missense variant.
Genome position (GRCh38, 1-based): chr2:188,999,854, G>A. VCF-style: chr2-188999854-G-A. GRCh37 (hg19) VCF-style: chr2-189864580-G-A.
Other names: p.G748S:GGT>AGT; short protein forms G748S.
Identifiers: ClinVar variation 199699 (VCV000199699.18), dbSNP rs771585795, ClinGen allele CA005248.

ClinVar aggregate classification (germline): Conflicting classifications of pathogenicity. Review status: criteria provided, conflicting classifications (1 of 4 stars). 7 submissions from 7 submitters: Uncertain significance (3); Benign (1); Likely benign (2). 1 of the submissions does not count toward it. Last evaluated 2025-12-19.

Conditions:
Ehlers-Danlos syndrome, type 4 (EDSVASC). Also called: Ehlers-Danlos syndrome vascular type; Ehlers Danlos syndrome, ecchymotic type; Ehlers Danlos syndrome, arterial type; Ehlers Danlos syndrome, Sack-Barabas type; Ehlers-Danlos Syndrome Type IV. Identifiers: Orphanet 286, MedGen C0268338, MONDO:0017314, OMIM 130050.
Familial thoracic aortic aneurysm and aortic dissection (TAAD). Also called: Thoracic aortic aneurysms and dissections. Identifiers: Orphanet 91387, MedGen C4707243, MONDO:0019625.

Allele frequency attached by ClinVar (database versions not stated): gnomAD exomes 0.00002; ExAC 0.00005; TOPMed 0.00006; gnomAD 0.00007 and 0.00008.
gnomAD v4.1: 33 of 1,596,280 alleles (0.0021%); highest among the groups gnomAD compares: East Asian, 0.016%; no homozygotes.

Submissions (7):

Labcorp Genetics (formerly Invitae), Labcorp
Classification: Uncertain significance for Ehlers-Danlos syndrome, type 4. Last evaluated: 2025-12-19. Review status: criteria provided, single submitter. Criteria: Invitae Variant Classification Sherloc (09022015). Collection method: clinical testing. Allele origin: germline.
Comment: This sequence change replaces glycine, which is neutral and non-polar, with serine, which is neutral and polar, at codon 748 of the COL3A1 protein (p.Gly748Ser). The frequency data for this variant in the population databases is considered unreliable, as metrics indicate poor data quality at this position in the gnomAD database. This variant has not been reported in the literature in individuals affected with COL3A1-related conditions. ClinVar contains an entry for this variant (Variation ID: 199699). Invitae Evidence Modeling of protein sequence and biophysical properties (such as structural, functional, and spatial information, amino acid conservation, physicochemical variation, residue mobility, and thermodynamic stability) indicates that this missense variant is not expected to disrupt COL3A1 protein function with a negative predictive value of 95%. In summary, the available evidence is currently insufficient to determine the role of this variant in disease. Therefore, it has been classified as a Variant of Uncertain Significance.

Women's Health and Genetics/Laboratory Corporation of America, LabCorp
Classification: Uncertain significance. Last evaluated: 2025-04-24. Review status: criteria provided, single submitter. Criteria: LabCorp Variant Classification Summary - May 2015. Collection method: clinical testing. Allele origin: germline.
Comment: Variant summary: COL3A1 c.2242G>A (p.Gly748Ser) results in a non-conservative amino acid change in the encoded protein sequence. Four of five in-silico tools predict a benign effect of the variant on protein function. The variant allele was found at a frequency of 2.3e-05 in 221616 control chromosomes (gnomAD). To our knowledge, no occurrence of c.2242G>A in individuals affected with Polymicrogyria with or without vascular-type Ehlers-Danlos syndrome and no experimental evidence demonstrating its impact on protein function have been reported. ClinVar contains an entry for this variant (Variation ID: 199699). Based on the evidence outlined above, the variant was classified as uncertain significance.

Ambry Genetics
Classification: Benign for Familial thoracic aortic aneurysm and aortic dissection. Last evaluated: 2025-02-12. Review status: criteria provided, single submitter. Criteria: Ambry Variant Classification Scheme 2023. Collection method: clinical testing. Allele origin: germline.

GeneDx
Classification: Uncertain significance. Last evaluated: 2024-05-02. Review status: criteria provided, single submitter. Criteria: GeneDx Variant Classification Process June 2021. Collection method: clinical testing. Allele origin: germline. Affected: yes.
Comment: Has not been previously published as pathogenic or benign to our knowledge; Occurs in the triple helical domain at the X position in the canonical Gly-X-Y repeat; although this variant may have an effect on normal protein folding and function, missense substitution at the X position is not a common mechanism of disease (HGMD); In silico analysis indicates that this missense variant does not alter protein structure/function

Color Diagnostics, LLC DBA Color Health
Classification: Likely benign for Familial thoracic aortic aneurysm and aortic dissection. Last evaluated: 2024-05-01. Review status: criteria provided, single submitter. Criteria: ACMG Guidelines, 2015. Collection method: clinical testing. Allele origin: germline.

All of Us Research Program, National Institutes of Health
Classification: Likely benign for Ehlers-Danlos syndrome, type 4. Last evaluated: 2024-03-29. Review status: criteria provided, single submitter. Criteria: ACMG Guidelines, 2015. Collection method: clinical testing. Allele origin: germline. Inheritance: Autosomal dominant inheritance. Observed: 10 variant alleles, 10 heterozygotes.
Comment: This study involves interpretation of variants in research participants for the purpose of population health screening. Participant phenotype was not available at the time of variant classification. Additional details can be found in publication PMID: 35346344, PMCID: PMC8962531

Division of Human Genetics, Children's Hospital of Philadelphia
Classification: Uncertain significance for Ehlers-Danlos syndrome, type 4. Last evaluated: 2016-03-16. Review status: no assertion criteria provided. Collection method: research. Allele origin: maternal. Affected: yes. Study: CSER-PediSeq. Not counted in ClinVar's aggregate classification.